The following is an entry in ClinVar:

ClinVar aggregate classification (germline): Benign/Likely benign. Review status: criteria provided, multiple submitters, no conflicts (2 of 4 stars). 3 submissions from 3 submitters: Benign (1); Likely benign (2). Last evaluated 2026-02-01.

Allele frequency attached by ClinVar (database versions not stated): ESP Exome Variant Server 0.01113; gnomAD 0.01169 and 0.01221; TOPMed 0.01183; 1000 Genomes Project 0.01458; gnomAD exomes 0.01581; 1000 Genomes Project 30x 0.01312.
gnomAD v4.1: 20,152 of 1,594,580 alleles (1.3%); highest among the groups gnomAD compares: Middle Eastern, 3%; 184 homozygotes.

Submissions (3):

Labcorp Genetics (formerly Invitae), Labcorp
Classification: Benign. Last evaluated: 2026-02-01. Review status: criteria provided, single submitter. Criteria: Invitae Variant Classification Sherloc (09022015). Collection method: clinical testing. Allele origin: germline.

GeneDx
Classification: Likely benign. Last evaluated: 2023-05-13. Review status: criteria provided, single submitter. Criteria: GeneDx Variant Classification Process June 2021. Collection method: clinical testing. Allele origin: germline. Affected: yes.
Comment: See Variant Classification Assertion Criteria.

Breakthrough Genomics
Classification: Likely benign. Review status: criteria provided, single submitter. Criteria: ACMG Guidelines, 2015. Collection method: not provided. Allele origin: germline. Inheritance: Autosomal recessive inheritance. Affected: yes.

NM_003922.4(HERC1):c.5932G>T (p.Ala1978Ser)

Gene: HERC1 (HECT and RLD domain containing E3 ubiquitin protein ligase family member 1; minus strand). Cytogenetic location: 15q22.31.
Variant type: single nucleotide variant.
Coding change: c.5932G>T on transcript NM_003922.4 (MANE Select); coding-DNA position 5932, G replaced by T.
Protein change: p.Ala1978Ser; replaces alanine 1978 with serine.
Molecular consequence: missense variant.
Genome position (GRCh38, 1-based): chr15:63,690,546, C>A on the plus strand (G>T on the coding strand, the complement: HERC1 is on the minus strand). VCF-style: chr15-63690546-C-A. GRCh37 (hg19) VCF-style: chr15-63982745-C-A.
Other names: short protein forms A1978S.
Identifiers: ClinVar variation 1205078 (VCV001205078.15), dbSNP rs34484871, ClinGen allele CA7605449.